The following is an entry in ClinVar:

ClinVar aggregate classification (germline): Uncertain significance. Review status: criteria provided, multiple submitters, no conflicts (2 of 4 stars). 3 submissions from 3 submitters: Uncertain significance (3). Last evaluated 2026-01-07.

Conditions:
Hyperaldosteronism, familial, type IV (HALD4). Also called: FH IV; ALDOSTERONISM, PRIMARY, AND HYPERTENSION. Identifiers: Orphanet 642671, MedGen C4310756, MONDO:0014875, OMIM 617027.
Idiopathic generalized epilepsy. Also called: Generalised epilepsy; EIG. Identifiers: MedGen C0270850, MONDO:0005579, OMIM 600669.
Epilepsy, childhood absence, susceptibility to, 6. Identifiers: Orphanet 64280, MedGen C2749872, MONDO:0012763, OMIM 611942.

gnomAD v4.1: 9 of 1,547,268 alleles (0.00058%); highest among the groups gnomAD compares: Admixed American, 0.018%; no homozygotes.

Submissions (3):

Labcorp Genetics (formerly Invitae), Labcorp
Classification: Uncertain significance for Idiopathic generalized epilepsy; Hyperaldosteronism, familial, type IV. Last evaluated: 2026-01-07. Review status: criteria provided, single submitter. Criteria: Invitae Variant Classification Sherloc (09022015). Collection method: clinical testing. Allele origin: germline.
Comment: This sequence change replaces histidine, which is basic and polar, with glutamine, which is neutral and polar, at codon 646 of the CACNA1H protein (p.His646Gln). This variant is not present in population databases (gnomAD no frequency). This variant has not been reported in the literature in individuals affected with CACNA1H-related conditions. ClinVar contains an entry for this variant (Variation ID: 1401276). Invitae Evidence Modeling of protein sequence and biophysical properties (such as structural, functional, and spatial information, amino acid conservation, physicochemical variation, residue mobility, and thermodynamic stability) indicates that this missense variant is not expected to disrupt CACNA1H protein function with a negative predictive value of 80%. In summary, the available evidence is currently insufficient to determine the role of this variant in disease. Therefore, it has been classified as a Variant of Uncertain Significance.

GeneDx
Classification: Uncertain significance. Last evaluated: 2025-06-11. Review status: criteria provided, single submitter. Criteria: GeneDx Variant Classification Process June 2021. Collection method: clinical testing. Allele origin: germline. Affected: yes.
Comment: Not observed at significant frequency in large population cohorts (gnomAD); In silico analysis suggests that this missense variant does not alter protein structure/function; Reported in a patient who died of sudden unexplained death in epilepsy, however further clinical information was not provided (PMID: 29619247); This variant is associated with the following publications: (PMID: 29619247)

Fulgent Genetics
Classification: Uncertain significance for Epilepsy, childhood absence, susceptibility to, 6; Hyperaldosteronism, familial, type IV. Last evaluated: 2021-07-17. Review status: criteria provided, single submitter. Criteria: ACMG Guidelines, 2015. Collection method: clinical testing. Allele origin: unknown.

NM_021098.3(CACNA1H):c.1938C>A (p.His646Gln)

Gene: CACNA1H (calcium voltage-gated channel subunit alpha1 H; plus strand). Cytogenetic location: 16p13.3.
Variant type: single nucleotide variant.
Coding change: c.1938C>A on transcript NM_021098.3 (MANE Select); coding-DNA position 1938, C replaced by A.
Protein change: p.His646Gln; replaces histidine 646 with glutamine.
Molecular consequence: missense variant.
Genome position (GRCh38, 1-based): chr16:1,202,388, C>A. VCF-style: chr16-1202388-C-A. GRCh37 (hg19) VCF-style: chr16-1252388-C-A.
Other names: c.1938C>A, p.His646Gln (NM_001005407.2); c.1938C>A (NM_021098.2); short protein forms H646Q.
Identifiers: ClinVar variation 1401276 (VCV001401276.10), dbSNP rs771171443, ClinGen allele CA394163215.